The following is an entry in ClinVar:

NM_019842.4(KCNQ5):c.220G>A (p.Gly74Ser)

Genes: KCNQ5 (potassium voltage-gated channel subfamily Q member 5; plus strand), KCNQ5-DT (KCNQ5 divergent transcript; minus strand). Cytogenetic location: 6q13.
Variant type: single nucleotide variant.
Coding change: c.220G>A on transcript NM_019842.4 (MANE Select); coding-DNA position 220, G replaced by A.
Protein change: p.Gly74Ser; replaces glycine 74 with serine.
Molecular consequence: missense variant.
Genome position (GRCh38, 1-based): chr6:72,622,409, G>A. VCF-style: chr6-72622409-G-A. GRCh37 (hg19) VCF-style: chr6-73332137-G-A.
Other names: c.220G>A, p.Gly74Ser (NM_001160130.2, NM_001160132.2, NM_001160133.2 and 1 more transcripts); short protein forms G74S.
Identifiers: ClinVar variation 3693675 (VCV003693675.2).

ClinVar aggregate classification (germline): Uncertain significance (1 of 4 stars; one submission).

Submission:

Labcorp Genetics (formerly Invitae), Labcorp
Classification: Uncertain significance. Last evaluated: 2024-03-02. Review status: criteria provided, single submitter. Criteria: Invitae Variant Classification Sherloc (09022015). Collection method: clinical testing. Allele origin: germline.
Comment: This sequence change replaces glycine, which is neutral and non-polar, with serine, which is neutral and polar, at codon 74 of the KCNQ5 protein (p.Gly74Ser). This variant is not present in population databases (gnomAD no frequency). This variant has not been reported in the literature in individuals affected with KCNQ5-related conditions. Advanced modeling of protein sequence and biophysical properties (such as structural, functional, and spatial information, amino acid conservation, physicochemical variation, residue mobility, and thermodynamic stability) performed at Invitae indicates that this missense variant is not expected to disrupt KCNQ5 protein function with a negative predictive value of 95%. In summary, the available evidence is currently insufficient to determine the role of this variant in disease. Therefore, it has been classified as a Variant of Uncertain Significance.